The following is an entry in ClinVar:

NM_000077.5(CDKN2A):c.206A>C (p.Glu69Ala)

Gene: CDKN2A (cyclin dependent kinase inhibitor 2A; minus strand). Cytogenetic location: 9p21.3.
Variant type: single nucleotide variant.
Coding change: c.206A>C on transcript NM_000077.5; coding-DNA position 206, A replaced by C.
Protein change: p.Glu69Ala; replaces glutamic acid 69 with alanine.
Molecular consequence: missense variant (on NM_000077.6). On other transcripts: synonymous variant (1), 3 prime UTR variant (1).
Genome position (GRCh38, 1-based): chr9:21,971,153, T>G on the plus strand (A>C on the coding strand, the complement: CDKN2A is on the minus strand). VCF-style: chr9-21971153-T-G. GRCh37 (hg19) VCF-style: chr9-21971152-T-G.
Other names: c.206A>C, p.Glu69Ala (NM_000077.6, NM_001195132.2); c.53A>C, p.Glu18Ala (NM_001363763.2); c.249A>C, p.Gly83= (NM_058195.4); c.*129A>C (NM_058197.5); short protein forms E18A, E69A.
Identifiers: ClinVar variation 2891892 (VCV002891892.3), dbSNP rs372670098, ClinGen allele CA373086333.

ClinVar aggregate classification (germline): Uncertain significance (1 of 4 stars; one submission).

Conditions:
Familial melanoma. Also called: Hereditary melanoma; Hereditary cutaneous melanoma. Identifiers: Orphanet 618, MedGen C1512419, MONDO:0018961.

Submission:

Labcorp Genetics (formerly Invitae), Labcorp
Classification: Uncertain significance for Familial melanoma. Last evaluated: 2023-05-08. Review status: criteria provided, single submitter. Criteria: Invitae Variant Classification Sherloc (09022015). Collection method: clinical testing. Allele origin: germline.
Comment: This variant is not present in population databases (gnomAD no frequency). This sequence change replaces glutamic acid, which is acidic and polar, with alanine, which is neutral and non-polar, at codon 69 of the CDKN2A (p16INK4a) protein (p.Glu69Ala). In summary, the available evidence is currently insufficient to determine the role of this variant in disease. Therefore, it has been classified as a Variant of Uncertain Significance. An algorithm developed to predict the effect of missense changes on protein structure and function (PolyPhen-2) suggests that this variant is likely to be tolerated. This variant has not been reported in the literature in individuals affected with CDKN2A (p16INK4a)-related conditions.